The following is an entry in ClinVar:

ClinVar aggregate classification (germline): Benign/Likely benign. Review status: criteria provided, multiple submitters, no conflicts (2 of 4 stars). 2 submissions from 2 submitters: Benign (1); Likely benign (1). Last evaluated 2024-06-18.

Conditions:
Ataxia-telangiectasia syndrome (AT). Also called: LOUIS-BAR SYNDROME; Cerebello-oculocutaneous telangiectasia; Immunodeficiency with ataxia telangiectasia; Ataxia-telangiectasia, complementation group D; AT, COMPLEMENTATION GROUP C; Ataxia-telangiectasia, complementation group E. Identifiers: Orphanet 100, MedGen C0004135, MONDO:0008840, OMIM 208900.
Familial cancer of breast. Also called: Hereditary breast cancer; BREAST CANCER, FAMILIAL; hereditary breast carcinoma. Identifiers: Orphanet 227535, MedGen C0346153, MONDO:0016419, OMIM 114480. Disease mechanism: loss of function.

Allele frequency attached by ClinVar (database versions not stated): gnomAD exomes below 0.00001.
gnomAD v4.1: 5 of 1,614,026 alleles (0.00031%); highest among the groups gnomAD compares: Non-Finnish European, 0.00042%; no homozygotes.

Submissions (2):

Myriad Genetics, Inc.
Classification: Benign for Familial cancer of breast. Last evaluated: 2024-06-18. Review status: criteria provided, single submitter. Criteria: Myriad Autosomal Dominant, Autosomal Recessive and X-Linked Classification Criteria (2023). Collection method: clinical testing. Allele origin: unknown.
Comment: This variant is considered benign. This variant is a silent/synonymous amino acid change and it is not expected to impact splicing.

Labcorp Genetics (formerly Invitae), Labcorp
Classification: Likely benign for Ataxia-telangiectasia syndrome. Last evaluated: 2022-01-25. Review status: criteria provided, single submitter. Criteria: Invitae Variant Classification Sherloc (09022015). Collection method: clinical testing. Allele origin: germline.

NM_000051.4(ATM):c.8220G>A (p.Gln2740=)

Genes: C11orf65 (chromosome 11 open reading frame 65; minus strand), ATM (ATM serine/threonine kinase; plus strand). Cytogenetic location: 11q22.3.
Variant type: single nucleotide variant.
Coding change: c.8220G>A on transcript NM_000051.4 (MANE Select); coding-DNA position 8220, G replaced by A.
Protein change: p.Gln2740=; no amino-acid change (glutamine 2740 retained).
Molecular consequence: synonymous variant. On other transcripts: intron variant (2).
Genome position (GRCh38, 1-based): chr11:108,335,913, G>A. VCF-style: chr11-108335913-G-A. GRCh37 (hg19) VCF-style: chr11-108206640-G-A.
Other names: c.641-26842C>T (NM_001330368.2); c.695-621C>T (NM_001351110.2); c.8220G>A, p.Gln2740= (NM_001351834.2).
Identifiers: ClinVar variation 414612 (VCV000414612.19), dbSNP rs1060504313, ClinGen allele CA16613216.